The following is an entry in ClinVar:

ClinVar aggregate classification (germline): Uncertain significance. Review status: reviewed by expert panel (3 of 4 stars). 2 submissions from 2 submitters: Uncertain significance (1). 1 of the submissions does not count toward it. Last evaluated 2024-04-01.

Conditions:
Severe combined immunodeficiency due to DCLRE1C deficiency (RS-SCID). Also called: SCID, AUTOSOMAL RECESSIVE, T CELL-NEGATIVE, B CELL-NEGATIVE, NK CELL-POSITIVE, WITH SENSITIVITY TO IONIZING RADIATION. Identifiers: Orphanet 275, MedGen C1865371, MONDO:0011225, OMIM 602450.

Submissions (2):

ClinGen Severe Combined Immunodeficiency Variant Curation Expert Panel, ClinGen
Classification: Uncertain significance for Severe combined immunodeficiency due to DCLRE1C deficiency. Last evaluated: 2024-04-01. Review status: reviewed by expert panel. Criteria: ClinGen SCID ACMG Specifications DCLRE1C V1.0.0. Collection method: curation. Allele origin: germline. Inheritance: Autosomal recessive inheritance.
Comment: The c.41T>C (NM_001033855.3) variant in DCLRE1C is a missense variant predicted to cause substitution of Isoleucine by Threonine at amino acid 14 (p.Ile14Thr). This variant is absent from gnomAD v4 (PM2_Supporting). There is one patient described on ClinVar from Invitae. The patient present: Diagnostic criteria for SCID/Leaky SCID/Omenn syndrome met 0.5 pts + SCID gene panel or exome/genome sequencing conducted 0.5pts + T-B-NK+ lymphocyte subset profile 0.5 pts, total 1.5 pts, PP4. The phase is confirmed = 1 pt = PM3. In summary, this variant is classified as a variant of uncertain significance for autosomal recessive severe combined immunodeficiency due to DCLRE1C deficiency, based on ACMG/AMP criteria applied, as specified by the ClinGen SCID VCEP (specification version 1.0): PM2_Supporting, PP4, and PM3.

Labcorp Genetics (formerly Invitae), Labcorp
Classification: Uncertain significance for Athabaskan severe combined immunodeficiency. Last evaluated: 2021-09-24. Review status: criteria provided, single submitter. Criteria: Invitae Variant Classification Sherloc (09022015). Collection method: clinical testing. Allele origin: germline. Not counted in ClinVar's aggregate classification.
Comment: This sequence change replaces isoleucine with threonine at codon 14 of the DCLRE1C protein (p.Ile14Thr). The isoleucine residue is moderately conserved and there is a moderate physicochemical difference between isoleucine and threonine. This variant is not present in population databases (ExAC no frequency). This variant has been observed in individual(s) with clinical features of Omenn syndrome (Invitae). In at least one individual the data is consistent with the variant being in trans (on the opposite chromosome) from a pathogenic variant. ClinVar contains an entry for this variant (Variation ID: 1035293). Algorithms developed to predict the effect of missense changes on protein structure and function are either unavailable or do not agree on the potential impact of this missense change (SIFT: "Tolerated"; PolyPhen-2: "Possibly Damaging"; Align-GVGD: "Class C0"). In summary, the available evidence is currently insufficient to determine the role of this variant in disease. Therefore, it has been classified as a Variant of Uncertain Significance.

NM_001033855.3(DCLRE1C):c.41T>C (p.Ile14Thr)

Gene: DCLRE1C (DNA cross-link repair 1C; minus strand). Cytogenetic location: 10p13.
Variant type: single nucleotide variant.
Coding change: c.41T>C on transcript NM_001033855.3 (MANE Select); coding-DNA position 41, T replaced by C.
Protein change: p.Ile14Thr; replaces isoleucine 14 with threonine.
Molecular consequence: missense variant. On other transcripts: 5 prime UTR variant (9), non-coding transcript variant (4).
Genome position (GRCh38, 1-based): chr10:14,953,970, A>G on the plus strand (T>C on the coding strand, the complement: DCLRE1C is on the minus strand). VCF-style: chr10-14953970-A-G. GRCh37 (hg19) VCF-style: chr10-14995969-A-G.
Other names: NM_001033855.3(DCLRE1C):c.41T>C; p.Ile14Thr; c.-405T>C (NM_001033857.3, NM_001350967.2); c.-727T>C (NM_001033858.3); c.-164T>C (NM_001289076.2); c.-451T>C (NM_001289077.2); c.-197T>C (NM_001289078.2, NM_001350966.2); c.-773T>C (NM_001289079.2); and 2 more; short protein forms I14T.
Identifiers: ClinVar variation 1035293 (VCV001035293.5), dbSNP rs752159513, ClinGen allele CA376065993.
Genomic context (GRCh38, chr10:14,953,970, plus strand): 5'-CAGTGGGACAGGAAGTAGGCGCGGGCCCTCAGGTTCTCCCTATCGAAGCGGTCTATGGAG[A>G]TAGTTGGATACTCGGCCATCTGCCCCTCGAAAGAACTCATAGCGCCGCCGATCCCAGAGT-3'
Protein context (NP_001029027.1, residues 4-24): FEGQMAEYPT[Ile14Thr]SIDRFDRENL